The following is an entry in ClinVar:

NM_001012614.2(CTBP1):c.789G>A (p.Ala263=)

Genes: CTBP1 (C-terminal binding protein 1; minus strand), CTBP1-AS (CTBP1 antisense RNA; plus strand). Cytogenetic location: 4p16.3.
Variant type: single nucleotide variant.
Coding change: c.789G>A on transcript NM_001012614.2 (MANE Select); coding-DNA position 789, G replaced by A.
Protein change: p.Ala263=; no amino-acid change (alanine 263 retained).
Molecular consequence: synonymous variant.
Genome position (GRCh38, 1-based): chr4:1,214,414, C>T on the plus strand (G>A on the coding strand, the complement: CTBP1 is on the minus strand). VCF-style: chr4-1214414-C-T. GRCh37 (hg19) VCF-style: chr4-1208202-C-T.
Other names: c.822G>A, p.Ala274= (NM_001328.3, NM_001377186.1); c.789G>A, p.Ala263= (NM_001377187.1, NM_001377188.1, NM_001377189.1 and 4 more transcripts).
Identifiers: ClinVar variation 1549657 (VCV001549657.31), dbSNP rs147301141, ClinGen allele CA2804297.

ClinVar aggregate classification (germline): Likely benign. Review status: criteria provided, multiple submitters, no conflicts (2 of 4 stars). 2 submissions from 2 submitters: Likely benign (2). Last evaluated 2025-06-12.

Allele frequency attached by ClinVar (database versions not stated): ExAC 0.00003; gnomAD exomes 0.00004; gnomAD 0.00011; ESP Exome Variant Server 0.00015.
gnomAD v4.1: 50 of 1,577,382 alleles (0.0032%); highest among the groups gnomAD compares: African/African-American, 0.033%; no homozygotes.

Submissions (2):

Labcorp Genetics (formerly Invitae), Labcorp
Classification: Likely benign. Last evaluated: 2025-06-12. Review status: criteria provided, single submitter. Criteria: Invitae Variant Classification Sherloc (09022015). Collection method: clinical testing. Allele origin: germline.

CeGaT Center for Human Genetics Tuebingen
Classification: Likely benign. Last evaluated: 2023-05-01. Review status: criteria provided, single submitter. Criteria: CeGaT Center For Human Genetics Tuebingen Variant Classification Criteria Version 2. Collection method: clinical testing. Allele origin: germline. Affected: yes. Observed: 1 variant allele.
Comment: CTBP1: BP4, BP7